The following is an entry in ClinVar:

NM_024675.4(PALB2):c.790C>A (p.His264Asn)

Gene: PALB2 (partner and localizer of BRCA2; minus strand). Cytogenetic location: 16p12.2.
Variant type: single nucleotide variant.
Coding change: c.790C>A on transcript NM_024675.4 (MANE Select); coding-DNA position 790, C replaced by A.
Protein change: p.His264Asn; replaces histidine 264 with asparagine.
Molecular consequence: missense variant.
Genome position (GRCh38, 1-based): chr16:23,635,756, G>T on the plus strand (C>A on the coding strand, the complement: PALB2 is on the minus strand). VCF-style: chr16-23635756-G-T. GRCh37 (hg19) VCF-style: chr16-23647077-G-T.
Other names: short protein forms H264N.
Identifiers: ClinVar variation 964252 (VCV000964252.10), dbSNP rs1967020660, ClinGen allele CA395136042.
Genomic context (GRCh38, chr16:23,635,756, plus strand): 5'-TAAATCTAATGTTTTTTAGGTCGTGAGTAGTAAGTTCACTGCTACCTTTAGGAGGAATGT[G>T]TTCAAGGTGCTGACTACTACCGCTATCTGATAGAGTCTGTAAAGGAACTGTAGTCGCCCT-3'
Protein context (NP_078951.2, residues 254-274): SDSGSSQHLE[His264Asn]IPPKGSSELT

ClinVar aggregate classification (germline): Uncertain significance (1 of 4 stars; one submission).

Conditions:
Familial cancer of breast. Also called: BREAST CANCER, FAMILIAL; Hereditary breast cancer; hereditary breast carcinoma. Identifiers: Orphanet 227535, MedGen C0346153, MONDO:0016419, OMIM 114480. Disease mechanism: loss of function.

Submission:

Labcorp Genetics (formerly Invitae), Labcorp
Classification: Uncertain significance for Familial cancer of breast. Last evaluated: 2019-10-15. Review status: criteria provided, single submitter. Criteria: Invitae Variant Classification Sherloc (09022015). Collection method: clinical testing. Allele origin: germline.
Comment: This variant has not been reported in the literature in individuals with PALB2-related conditions. This variant is not present in population databases (ExAC no frequency). In summary, the available evidence is currently insufficient to determine the role of this variant in disease. Therefore, it has been classified as a Variant of Uncertain Significance. Algorithms developed to predict the effect of missense changes on protein structure and function (SIFT, PolyPhen-2, Align-GVGD) all suggest that this variant is likely to be tolerated, but these predictions have not been confirmed by published functional studies and their clinical significance is uncertain. This sequence change replaces histidine with asparagine at codon 264 of the PALB2 protein (p.His264Asn). The histidine residue is moderately conserved and there is a small physicochemical difference between histidine and asparagine.